The following is an entry in ClinVar:

NM_002460.4(IRF4):c.512T>C (p.Met171Thr)

Gene: IRF4 (interferon regulatory factor 4; plus strand). Cytogenetic location: 6p25.3.
Variant type: single nucleotide variant.
Coding change: c.512T>C on transcript NM_002460.4 (MANE Select); coding-DNA position 512, T replaced by C.
Protein change: p.Met171Thr; replaces methionine 171 with threonine.
Molecular consequence: missense variant. On other transcripts: non-coding transcript variant (1).
Genome position (GRCh38, 1-based): chr6:397,127, T>C. VCF-style: chr6-397127-T-C. GRCh37 (hg19) VCF-style: chr6-397127-T-C.
Other names: c.509T>C, p.Met170Thr (NM_001195286.2); short protein forms M171T, M170T.
Identifiers: ClinVar variation 1346527 (VCV001346527.8), dbSNP rs755905242, ClinGen allele CA3612728.

ClinVar aggregate classification (germline): Uncertain significance (1 of 4 stars; one submission).

Allele frequency attached by ClinVar (database versions not stated): gnomAD 0.00001; gnomAD exomes 0.00002 and 0.00003; ExAC 0.00003.

Submission:

Labcorp Genetics (formerly Invitae), Labcorp
Classification: Uncertain significance. Last evaluated: 2020-11-19. Review status: criteria provided, single submitter. Criteria: Invitae Variant Classification Sherloc (09022015). Collection method: clinical testing. Allele origin: germline.
Comment: Algorithms developed to predict the effect of missense changes on protein structure and function (SIFT, PolyPhen-2, Align-GVGD) all suggest that this variant is likely to be tolerated, but these predictions have not been confirmed by published functional studies and their clinical significance is uncertain. In summary, the available evidence is currently insufficient to determine the role of this variant in disease. Therefore, it has been classified as a Variant of Uncertain Significance. This variant has not been reported in the literature in individuals with IRF4-related conditions. This variant is present in population databases (rs755905242, ExAC 0.02%). This sequence change replaces methionine with threonine at codon 171 of the IRF4 protein (p.Met171Thr). The methionine residue is moderately conserved and there is a moderate physicochemical difference between methionine and threonine.